The following is an entry in ClinVar:

ClinVar aggregate classification (germline): Likely benign (0 of 4 stars; one submission).

Conditions:
LAMA5-related disorder. Also called: LAMA5-Related Disorders; LAMA5-related condition.

Submission:

PreventionGenetics, part of Exact Sciences
Classification: Likely benign for LAMA5-related condition. Last evaluated: 2020-06-08. Review status: no assertion criteria provided. Collection method: clinical testing. Allele origin: germline.
Comment: This variant is classified as likely benign based on ACMG/AMP sequence variant interpretation guidelines (Richards et al. 2015 PMID: 25741868, with internal and published modifications).

NM_005560.6(LAMA5):c.6102C>T (p.Asp2034=)

Gene: LAMA5 (laminin subunit alpha 5; minus strand). Cytogenetic location: 20q13.33.
Variant type: single nucleotide variant.
Coding change: c.6102C>T on transcript NM_005560.6 (MANE Select); coding-DNA position 6102, C replaced by T.
Protein change: p.Asp2034=; no amino-acid change (aspartic acid 2034 retained).
Molecular consequence: synonymous variant.
Genome position (GRCh38, 1-based): chr20:62,322,721, G>A on the plus strand (C>T on the coding strand, the complement: LAMA5 is on the minus strand). VCF-style: chr20-62322721-G-A. GRCh37 (hg19) VCF-style: chr20-60897777-G-A.
Identifiers: ClinVar variation 3037086 (VCV003037086.2), dbSNP rs770618065, ClinGen allele CA9941887.
Genomic context (GRCh38, chr20:62,322,721, plus strand): 5'-GCAGCGGTCACAGCGCCGCCCAGTCACGCCCGCCTTGCACAGGCAGTGCCCGCTGTGGGG[G>A]TCGCAGGCCTCTGTCCCACATGGGGTACAGTCGCACCCTGCAGAAGGGGTCCGTGACTGC-3'
Protein context (NP_005551.3, residues 2024-2044): DCTPCGTEAC[Asp2034=]PHSGHCLCKA